The following is an entry in ClinVar:

ClinVar aggregate classification (germline): Uncertain significance (1 of 4 stars; one submission).

Submission:

Women's Health and Genetics/Laboratory Corporation of America, LabCorp
Classification: Uncertain significance. Last evaluated: 2020-06-22. Review status: criteria provided, single submitter. Criteria: LabCorp Variant Classification Summary - May 2015. Collection method: clinical testing. Allele origin: germline.
Comment: Variant summary: FBN1 c.2179T>G (p.Cys727Gly) results in a non-conservative amino acid change located in the EGF-like calcium-binding domain (IPR001881) of the encoded protein sequence. Five of five in-silico tools predict a damaging effect of the variant on protein function. The variant was absent in 251320 control chromosomes (gnomAD). To our knowledge, no occurrence of c.2179T>G in individuals affected with Marfan Syndrome and no experimental evidence demonstrating its impact on protein function have been reported. However, missense mutations affecting or creating cysteine residues or located within the conserved resides of the EGF consensus sequence are listed among the criteria for a causal FBN1 mutation when identified as de-novo (with proven paternity) in the revised Ghent criteria for the diagnosis of Marfan and related conditions (Loeys, BL et al, 2010, PMID: 20591885). In addition, several other variants affecting the same or nearby codons (p.C727R, p.C727Y, p. E726A, p.I724V) have been reported in patients in HGMD and ClinVar databases. No clinical diagnostic laboratories have submitted clinical-significance assessments for this variant to ClinVar after 2014. Based on the evidence outlined above, the variant was classified as VUS-possibly pathogenic.

NM_000138.5(FBN1):c.2179T>G (p.Cys727Gly)

Gene: FBN1 (fibrillin 1; minus strand). Cytogenetic location: 15q21.1.
Variant type: single nucleotide variant.
Coding change: c.2179T>G on transcript NM_000138.5 (MANE Select); coding-DNA position 2179, T replaced by G.
Protein change: p.Cys727Gly; replaces cysteine 727 with glycine.
Molecular consequence: missense variant.
Genome position (GRCh38, 1-based): chr15:48,497,380, A>C on the plus strand (T>G on the coding strand, the complement: FBN1 is on the minus strand). VCF-style: chr15-48497380-A-C. GRCh37 (hg19) VCF-style: chr15-48789577-A-C.
Other names: short protein forms C727G.
Identifiers: ClinVar variation 933156 (VCV000933156.1), dbSNP rs1064794025, ClinGen allele CA392335884.